The following is an entry in ClinVar:

ClinVar aggregate classification (germline): Benign/Likely benign. Review status: criteria provided, multiple submitters, no conflicts (2 of 4 stars). 3 submissions from 3 submitters: Benign (1); Likely benign (2). Last evaluated 2026-04-02.

Conditions:
CEP78-related disorder. Also called: CEP78-related condition.

Allele frequency attached by ClinVar (database versions not stated): ESP Exome Variant Server 0.00009; gnomAD exomes 0.00009 and 0.00021; TOPMed 0.00009; gnomAD 0.00011 and 0.00013; ExAC 0.00017.
gnomAD v4.1: 153 of 1,565,040 alleles (0.0098%); highest among the groups gnomAD compares: Admixed American, 0.005%; no homozygotes.

Submissions (3):

PreventionGenetics, part of Exact Sciences
Classification: Likely benign for CEP78-related condition. Last evaluated: 2026-04-02. Review status: criteria provided, single submitter. Criteria: ACMG Guidelines, 2015. Collection method: clinical testing. Allele origin: germline.
Comment: This variant is classified as likely benign based on ACMG/AMP sequence variant interpretation guidelines (Richards et al. 2015 PMID: 25741868, with internal and published modifications).

Labcorp Genetics (formerly Invitae), Labcorp
Classification: Benign. Last evaluated: 2025-12-29. Review status: criteria provided, single submitter. Criteria: Invitae Variant Classification Sherloc (09022015). Collection method: clinical testing. Allele origin: germline.

Blueprint Genetics
Classification: Likely benign. Last evaluated: 2024-09-13. Review status: criteria provided, single submitter. Criteria: ACMG Guidelines, 2015. Collection method: clinical testing. Allele origin: germline.

NM_001330691.3(CEP78):c.948C>T (p.Ala316=)

Gene: CEP78 (centrosomal protein 78; plus strand). Cytogenetic location: 9q21.2.
Variant type: single nucleotide variant.
Coding change: c.948C>T on transcript NM_001330691.3 (MANE Select); coding-DNA position 948, C replaced by T.
Protein change: p.Ala316=; no amino-acid change (alanine 316 retained).
Molecular consequence: synonymous variant.
Genome position (GRCh38, 1-based): chr9:78,248,346, C>T. VCF-style: chr9-78248346-C-T. GRCh37 (hg19) VCF-style: chr9-80863262-C-T.
Other names: c.948C>T, p.Ala316= (NM_001098802.3, NM_001330693.3, NM_001330694.2 and 4 more transcripts); c.948C>T (NM_001098802.1).
Identifiers: ClinVar variation 1164837 (VCV001164837.11), dbSNP rs373178951, ClinGen allele CA5095085.